The following is an entry in ClinVar:

ClinVar aggregate classification (germline): Benign. Review status: criteria provided, multiple submitters, no conflicts (2 of 4 stars). 4 submissions from 4 submitters: Benign (3). 1 of the submissions does not count toward it. Last evaluated 2026-02-04.

Conditions:
TRIM28-related disorder. Also called: TRIM28-related condition.

Allele frequency attached by ClinVar (database versions not stated): gnomAD exomes 0.10516 and 0.07867; ESP Exome Variant Server 0.06858; gnomAD 0.08479 and 0.07964; 1000 Genomes Project 30x 0.13679; ExAC 0.10393; TOPMed 0.08473; 1000 Genomes Project 0.13738.
gnomAD v4.1: 128,488 of 1,614,062 alleles (8%); highest among the groups gnomAD compares: East Asian, 32%; 7,084 homozygotes.

Submissions (4):

Labcorp Genetics (formerly Invitae), Labcorp
Classification: Benign. Last evaluated: 2026-02-04. Review status: criteria provided, single submitter. Criteria: Invitae Variant Classification Sherloc (09022015). Collection method: clinical testing. Allele origin: germline.

GeneDx
Classification: Benign. Last evaluated: 2019-11-05. Review status: criteria provided, single submitter. Criteria: GeneDx Variant Classification Process June 2021. Collection method: clinical testing. Allele origin: germline. Affected: yes.

Breakthrough Genomics
Classification: Benign. Review status: criteria provided, single submitter. Criteria: ACMG Guidelines, 2015. Collection method: not provided. Allele origin: germline. Inheritance: Unknown mechanism. Affected: yes.

PreventionGenetics, part of Exact Sciences
Classification: Benign for TRIM28-related condition. Last evaluated: 2019-12-06. Review status: no assertion criteria provided. Collection method: clinical testing. Allele origin: germline. Not counted in ClinVar's aggregate classification.
Comment: This variant is classified as benign based on ACMG/AMP sequence variant interpretation guidelines (Richards et al. 2015 PMID: 25741868, with internal and published modifications).

NM_005762.3(TRIM28):c.1170G>A (p.Lys390=)

Gene: TRIM28 (tripartite motif containing 28; plus strand). Cytogenetic location: 19q13.43.
Variant type: single nucleotide variant.
Coding change: c.1170G>A on transcript NM_005762.3 (MANE Select); coding-DNA position 1170, G replaced by A.
Protein change: p.Lys390=; no amino-acid change (lysine 390 retained).
Molecular consequence: synonymous variant.
Genome position (GRCh38, 1-based): chr19:58,548,362, G>A. VCF-style: chr19-58548362-G-A. GRCh37 (hg19) VCF-style: chr19-59059729-G-A.
Identifiers: ClinVar variation 1262310 (VCV001262310.8), dbSNP rs2305120, ClinGen allele CA9719127.